The following is an entry in ClinVar:

ClinVar aggregate classification (germline): Uncertain significance. Review status: criteria provided, multiple submitters, no conflicts (2 of 4 stars). 2 submissions from 2 submitters: Uncertain significance (2). Last evaluated 2025-07-03.

Conditions:
Hereditary cancer-predisposing syndrome. Also called: Tumor predisposition; Hereditary neoplastic syndrome; Hereditary Cancer Syndrome; Neoplastic Syndromes, Hereditary. Identifiers: Orphanet 140162, MedGen C0027672, MeSH D009386, MONDO:0015356.

Allele frequency attached by ClinVar (database versions not stated): gnomAD 0.00001.
gnomAD v4.1: 1 of 1,614,040 alleles (0.000062%); highest among the groups gnomAD compares: African/African-American, 0.0013%; no homozygotes.

Submissions (2):

Ambry Genetics
Classification: Uncertain significance for Hereditary cancer-predisposing syndrome. Last evaluated: 2025-07-03. Review status: criteria provided, single submitter. Criteria: Ambry Variant Classification Scheme 2023. Collection method: clinical testing. Allele origin: germline.
Comment: The p.L1110V variant (also known as c.3328C>G), located in coding exon 27 of the POLE gene, results from a C to G substitution at nucleotide position 3328. The leucine at codon 1110 is replaced by valine, an amino acid with highly similar properties. This amino acid position is highly conserved in available vertebrate species. In addition, this alteration is predicted to be tolerated by in silico analysis. Based on the available evidence, the clinical significance of this variant remains unclear.

Labcorp Genetics (formerly Invitae), Labcorp
Classification: Uncertain significance. Last evaluated: 2018-02-24. Review status: criteria provided, single submitter. Criteria: Invitae Variant Classification Sherloc (09022015). Collection method: clinical testing. Allele origin: germline.
Comment: This sequence change replaces leucine with valine at codon 1110 of the POLE protein (p.Leu1110Val). The leucine residue is highly conserved and there is a small physicochemical difference between leucine and valine. In summary, the available evidence is currently insufficient to determine the role of this variant in disease. Therefore, it has been classified as a Variant of Uncertain Significance. Algorithms developed to predict the effect of missense changes on protein structure and function do not agree on the potential impact of this missense change (SIFT: "Deleterious"; PolyPhen-2: "Probably Damaging"; Align-GVGD: "Class C15"). This variant has not been reported in the literature in individuals with POLE-related disease. This variant is not present in population databases (ExAC no frequency).

NM_006231.4(POLE):c.3328C>G (p.Leu1110Val)

Gene: POLE (DNA polymerase epsilon, catalytic subunit; minus strand). Cytogenetic location: 12q24.33.
Variant type: single nucleotide variant.
Coding change: c.3328C>G on transcript NM_006231.4 (MANE Select); coding-DNA position 3328, C replaced by G.
Protein change: p.Leu1110Val; replaces leucine 1110 with valine.
Molecular consequence: missense variant.
Genome position (GRCh38, 1-based): chr12:132,657,918, G>C on the plus strand (C>G on the coding strand, the complement: POLE is on the minus strand). VCF-style: chr12-132657918-G-C. GRCh37 (hg19) VCF-style: chr12-133234504-G-C.
Other names: c.3328C>G (NM_006231.2); short protein forms L1110V.
Identifiers: ClinVar variation 576867 (VCV000576867.8), dbSNP rs1555225317, ClinGen allele CA387389680.
Genomic context (GRCh38, chr12:132,657,918, plus strand): 5'-TGGCACTCACTGCTCGAATATCAAAGTCTTGAAGGGAAGAGCTCTTGAGCCATTTCCGGA[G>C]AAAGTGCTTCCTCACCGTGGGCTCTGCTTGGAAAATGGCAAGTGGGATGGCCCTGGGTAA-3'
Protein context (NP_006222.2, residues 1100-1120): QAEPTVRKHF[Leu1110Val]RKWLKSSSLQ